The following is an entry in ClinVar:

NM_000064.4(C3):c.4715-15_4715-14delinsAA

Gene: C3 (complement C3; minus strand). Cytogenetic location: 19p13.3.
Variant type: Indel.
Coding change: c.4715-15_4715-14delinsAA on transcript NM_000064.4 (MANE Select); 15 bases into the intron before coding-DNA position 4715 through 14 bases into the intron before coding-DNA position 4715, TC replaced by AA.
Molecular consequence: intron variant.
Genome position (GRCh38, 1-based): chr19:6,678,301-6,678,302, GA replaced by TT on the plus strand (TC replaced by AA on the coding strand, the reverse complement: C3 is on the minus strand). VCF-style: chr19-6678301-GA-TT. GRCh37 (hg19) VCF-style: chr19-6678312-GA-TT.
Identifiers: ClinVar variation 2029144 (VCV002029144.4), dbSNP rs2512224916, ClinGen allele CA2580097019.

ClinVar aggregate classification (germline): Uncertain significance (1 of 4 stars; one submission).

Submission:

Labcorp Genetics (formerly Invitae), Labcorp
Classification: Uncertain significance. Last evaluated: 2025-08-13. Review status: criteria provided, single submitter. Criteria: Invitae Variant Classification Sherloc (09022015). Collection method: clinical testing. Allele origin: germline.
Comment: This sequence change falls in intron 39 of the C3 gene. It does not directly change the encoded amino acid sequence of the C3 protein. Information on the frequency of this variant in the gnomAD database is not available, as this variant may be reported differently in the database. This variant has not been reported in the literature in individuals affected with C3-related conditions. ClinVar contains an entry for this variant (Variation ID: 2029144). Experimental studies and prediction algorithms are not available or were not evaluated, and the effect of this variant on mRNA splicing is currently unknown. In summary, the available evidence is currently insufficient to determine the role of this variant in disease. Therefore, it has been classified as a Variant of Uncertain Significance.